The following is an entry in ClinVar:

NM_020987.5(ANK3):c.12656C>G (p.Thr4219Ser)

Gene: ANK3 (ankyrin 3; minus strand). Cytogenetic location: 10q21.2.
Variant type: single nucleotide variant.
Coding change: c.12656C>G on transcript NM_020987.5 (MANE Select); coding-DNA position 12656, C replaced by G.
Protein change: p.Thr4219Ser; replaces threonine 4219 with serine.
Molecular consequence: missense variant.
Genome position (GRCh38, 1-based): chr10:60,059,370, G>C on the plus strand (C>G on the coding strand, the complement: ANK3 is on the minus strand). VCF-style: chr10-60059370-G-C. GRCh37 (hg19) VCF-style: chr10-61819128-G-C.
Other names: c.2528C>G, p.Thr843Ser (NM_001149.4); c.5108C>G, p.Thr1703Ser (NM_001204403.2); c.5129C>G, p.Thr1710Ser (NM_001204404.2); c.5126C>G, p.Thr1709Ser (NM_001320874.2); short protein forms T1703S, T4219S, T1709S, T843S, T1710S.
Identifiers: ClinVar variation 387596 (VCV000387596.2), dbSNP rs745574366, ClinGen allele CA5510767.

ClinVar aggregate classification (germline): Uncertain significance (1 of 4 stars; one submission).

Allele frequency attached by ClinVar (database versions not stated): gnomAD exomes 0.00001; TOPMed below 0.00001; ExAC 0.00001.
gnomAD v4.1: 20 of 1,614,000 alleles (0.0012%); highest among the groups gnomAD compares: Non-Finnish European, 0.0016%; no homozygotes.

Submission:

GeneDx
Classification: Uncertain significance. Last evaluated: 2016-07-21. Review status: criteria provided, single submitter. Criteria: GeneDx Variant Classification (06012015). Collection method: clinical testing. Allele origin: germline. Affected: yes.
Comment: The T4219S variant in the ANK3 gene has not been reported previously as a pathogenic variant, nor as a benign variant, to our knowledge. The T4219S variant was not observed in approximately 6500 individuals of European and African American ancestry in the NHLBI Exome Sequencing Project, indicating it is not a common benign variant in these populations. The T4219S variant is a conservative amino acid substitution, which is not likely to impact secondary protein structure as these residues share similar properties. This substitution occurs at a position that is not conserved. Although in silico analysis is inconsistent in its predictions as to whether or not the variant is damaging to the protein structure/function, splicing programs predict a cryptic splice donor site in exon 41 may be created as a result of this variant. Therefore, we interpret T4219S as a variant of uncertain significance.